The following is an entry in ClinVar:

NM_001042750.2(STAG2):c.2212C>T (p.His738Tyr)

Gene: STAG2 (STAG2 cohesin complex component; plus strand). Cytogenetic location: Xq25.
Variant type: single nucleotide variant.
Coding change: c.2212C>T on transcript NM_001042750.2 (MANE Select); coding-DNA position 2212, C replaced by T.
Protein change: p.His738Tyr; replaces histidine 738 with tyrosine.
Molecular consequence: missense variant.
Genome position (GRCh38, 1-based): chrX:124,066,383, C>T. VCF-style: chrX-124066383-C-T. GRCh37 (hg19) VCF-style: chrX-123200233-C-T.
Other names: c.2212C>T, p.His738Tyr (NM_001042749.2, NM_001042751.2, NM_001282418.2 and 23 more transcripts); short protein forms H738Y.
Identifiers: ClinVar variation 4981366 (VCV004981366.1).

ClinVar aggregate classification (germline): Uncertain significance (1 of 4 stars; one submission).

Conditions:
STAG2-related disorder. Also called: STAG2-Related Disorders.

gnomAD v4.1: 5 of 1,205,968 alleles (0.00041%); highest among the groups gnomAD compares: Non-Finnish European, 0.00056%; no homozygotes.

Submission:

PreventionGenetics, part of Exact Sciences
Classification: Uncertain significance for STAG2-related condition. Last evaluated: 2025-11-11. Review status: criteria provided, single submitter. Criteria: ACMG Guidelines, 2015. Collection method: clinical testing. Allele origin: germline.
Comment: The STAG2 c.2212C>T variant is predicted to result in the amino acid substitution p.His738Tyr. To our knowledge, this variant has not been reported in individuals with STAG2-related disorders in the literature. This variant is reported in 0.0025% of alleles in individuals of European (Non-Finnish) descent in gnomAD. At this time, the clinical significance of this variant is uncertain due to the absence of conclusive functional and genetic evidence.